The following is an entry in ClinVar:

ClinVar aggregate classification (germline): Uncertain significance (1 of 4 stars; one submission).

Conditions:
Hereditary sensory and autonomic neuropathy type 6. Also called: Neuropathy, hereditary sensory and autonomic, type VI; HSAN VI. Identifiers: Orphanet 314381, MedGen C3539003, MONDO:0013839, OMIM 614653.
Epidermolysis bullosa simplex 3, localized or generalized intermediate, with BP230 deficiency (EBS3). Also called: Epidermolysis bullosa simplex due to BP230 deficiency; Epidermolysis bullosa simplex, autosomal recessive 2. Identifiers: Orphanet 412181, MedGen C3809470, MONDO:0014180, OMIM 615425.

Allele frequency attached by ClinVar (database versions not stated): TOPMed below 0.00001; gnomAD 0.00001.
gnomAD v4.1: 25 of 1,613,598 alleles (0.0015%); highest among the groups gnomAD compares: Non-Finnish European, 0.002%; no homozygotes.

Submission:

Labcorp Genetics (formerly Invitae), Labcorp
Classification: Uncertain significance for Epidermolysis bullosa simplex 3, localized or generalized intermediate, with BP230 deficiency; Hereditary sensory and autonomic neuropathy type 6. Last evaluated: 2022-04-25. Review status: criteria provided, single submitter. Criteria: Invitae Variant Classification Sherloc (09022015). Collection method: clinical testing. Allele origin: germline.
Comment: The DST gene has multiple clinically relevant transcripts. This variant occurs in alternate transcript NM_015548.4, and corresponds to NM_001723.5:c.*85952T>C in the primary transcript. This sequence change affects codon 3203 of the DST mRNA. It is a 'silent' change, meaning that it does not change the encoded amino acid sequence of the DST protein. This variant is present in population databases (no rsID available, gnomAD 0.002%). This variant has not been reported in the literature in individuals affected with DST-related conditions. Experimental studies and prediction algorithms are not available or were not evaluated, and the effect of this variant on mRNA splicing is currently unknown. In summary, the available evidence is currently insufficient to determine the role of this variant in disease. Therefore, it has been classified as a Variant of Uncertain Significance.

NM_001374736.1(DST):c.17478T>C (p.Phe5826=)

Gene: DST (dystonin; minus strand). Cytogenetic location: 6p12.1.
Variant type: single nucleotide variant.
Coding change: c.17478T>C on transcript NM_001374736.1 (MANE Select); coding-DNA position 17478, T replaced by C.
Protein change: p.Phe5826=; no amino-acid change (phenylalanine 5826 retained).
Molecular consequence: synonymous variant. On other transcripts: intron variant (2).
Genome position (GRCh38, 1-based): chr6:56,529,565, A>G on the plus strand (T>C on the coding strand, the complement: DST is on the minus strand). VCF-style: chr6-56529565-A-G. GRCh37 (hg19) VCF-style: chr6-56394363-A-G.
Other names: c.11121T>C, p.Phe3707= (NM_001144769.5); c.10707T>C, p.Phe3569= (NM_001144770.2); c.17478T>C, p.Phe5826= (NM_001374722.1); c.17505T>C, p.Phe5835= (NM_001374734.1); c.10587T>C, p.Phe3529= (NM_001386100.1, NM_183380.4); c.9609T>C, p.Phe3203= (NM_015548.5); c.10377+409T>C (NM_001374730.1); c.16635+409T>C (NM_001374729.1).
Identifiers: ClinVar variation 2149486 (VCV002149486.1), dbSNP rs1205337518, ClinGen allele CA450619149.
Genomic context (GRCh38, chr6:56,529,565, plus strand): 5'-CTTGCTCAGTTTGTCATGCACTTCATTCAGCCAGTTCATCAGTTCAACTTCATCTTCCCC[A>G]AAAATCTTAGCATTACATAAGGCCTGCTGGAGGAGCTCAGACCTGCTGTGACTTTTCTCT-3'
Protein context (NP_001361665.1, residues 5816-5836): LQQALCNAKI[Phe5826=]GEDEVELMNW